The following is an entry in ClinVar:

NM_000548.5(TSC2):c.849A>C (p.Arg283Ser)

Gene: TSC2 (TSC complex subunit 2; plus strand). Cytogenetic location: 16p13.3.
Variant type: single nucleotide variant.
Coding change: c.849A>C on transcript NM_000548.5 (MANE Select); coding-DNA position 849, A replaced by C.
Protein change: p.Arg283Ser; replaces arginine 283 with serine.
Molecular consequence: missense variant.
Genome position (GRCh38, 1-based): chr16:2,058,747, A>C. VCF-style: chr16-2058747-A-C. GRCh37 (hg19) VCF-style: chr16-2108748-A-C.
Other names: c.849A>C, p.Arg283Ser (NM_001114382.3, NM_001363528.2, NM_001370404.1 and 3 more transcripts); c.738A>C, p.Arg246Ser (NM_001318827.2); c.702A>C, p.Arg234Ser (NM_001318829.2); c.249A>C, p.Arg83Ser (NM_001318831.2); c.882A>C, p.Arg294Ser (NM_001318832.2); short protein forms R83S, R234S, R294S, R283S, R246S.
Identifiers: ClinVar variation 651988 (VCV000651988.11), dbSNP rs1596288325, ClinGen allele CA394314883.
Genomic context (GRCh38, chr16:2,058,747, plus strand): 5'-CATGGCGGACCCTGGGACAGGGCCCTGCTCACATTCCGTCTCTCTGGGGAACACTTTTAG[A>C]GCCTACATGGAGGACGCGCCCCTGCTGAGAGGAGCCGTGTTTTTTGTGGGCATGGCTCTC-3'
Protein context (NP_000539.2, residues 273-293): IYNMCHLMED[Arg283Ser]AYMEDAPLLR

ClinVar aggregate classification (germline): Uncertain significance. Review status: criteria provided, multiple submitters, no conflicts (2 of 4 stars). 2 submissions from 2 submitters: Uncertain significance (2). Last evaluated 2025-07-06.

Conditions:
Hereditary cancer-predisposing syndrome. Also called: Hereditary Cancer Syndrome; Tumor predisposition; Neoplastic Syndromes, Hereditary; Hereditary neoplastic syndrome. Identifiers: Orphanet 140162, MedGen C0027672, MeSH D009386, MONDO:0015356.
Tuberous sclerosis 2 (TSC2). Identifiers: Orphanet 805, MedGen C1860707, MONDO:0013199, OMIM 613254.

Allele frequency attached by ClinVar (database versions not stated): gnomAD exomes below 0.00001.
gnomAD v4.1: 1 of 1,579,762 alleles (0.000063%); highest among the groups gnomAD compares: East Asian, 0.0023%; no homozygotes.

Submissions (2):

Labcorp Genetics (formerly Invitae), Labcorp
Classification: Uncertain significance for Tuberous sclerosis 2. Last evaluated: 2025-07-06. Review status: criteria provided, single submitter. Criteria: Invitae Variant Classification Sherloc (09022015). Collection method: clinical testing. Allele origin: germline.
Comment: This sequence change replaces arginine, which is basic and polar, with serine, which is neutral and polar, at codon 283 of the TSC2 protein (p.Arg283Ser). This variant is not present in population databases (gnomAD no frequency). This variant has not been reported in the literature in individuals affected with TSC2-related conditions. ClinVar contains an entry for this variant (Variation ID: 651988). An algorithm developed to predict the effect of missense changes on protein structure and function (PolyPhen-2) suggests that this variant is likely to be tolerated. In summary, the available evidence is currently insufficient to determine the role of this variant in disease. Therefore, it has been classified as a Variant of Uncertain Significance.

Ambry Genetics
Classification: Uncertain significance for Hereditary cancer-predisposing syndrome. Last evaluated: 2021-11-09. Review status: criteria provided, single submitter. Criteria: Ambry Variant Classification Scheme 2023. Collection method: clinical testing. Allele origin: germline.
Comment: The p.R283S variant (also known as c.849A>C) is located in coding exon 9 of the TSC2 gene. The arginine at codon 283 is replaced by serine, an amino acid with dissimilar properties. This change occurs in the first base pair of coding exon 9. This amino acid position is highly conserved in available vertebrate species. In addition, this alteration is predicted to be deleterious by in silico analysis. Since supporting evidence is limited at this time, the clinical significance of this alteration remains unclear.